The following is an entry in ClinVar:

ClinVar aggregate classification (germline): Uncertain significance (1 of 4 stars; one submission).

Allele frequency attached by ClinVar (database versions not stated): gnomAD exomes below 0.00001; TOPMed below 0.00001.
gnomAD v4.1: 1 of 1,614,164 alleles (0.000062%); highest among the groups gnomAD compares: Admixed American, 0.0017%; no homozygotes.

Submission:

GeneDx
Classification: Uncertain significance. Last evaluated: 2021-05-26. Review status: criteria provided, single submitter. Criteria: GeneDx Variant Classification Process June 2021. Collection method: clinical testing. Allele origin: germline. Affected: yes.
Comment: Not observed at significant frequency in large population cohorts (Lek et al., 2016); In silico analysis supports that this missense variant has a deleterious effect on protein structure/function; Has not been previously published as pathogenic or benign to our knowledge

NM_000384.3(APOB):c.5848A>G (p.Thr1950Ala)

Gene: APOB (apolipoprotein B; minus strand). Cytogenetic location: 2p24.1.
Variant type: single nucleotide variant.
Coding change: c.5848A>G on transcript NM_000384.3 (MANE Select); coding-DNA position 5848, A replaced by G.
Protein change: p.Thr1950Ala; replaces threonine 1950 with alanine.
Molecular consequence: missense variant.
Genome position (GRCh38, 1-based): chr2:21,011,020, T>C on the plus strand (A>G on the coding strand, the complement: APOB is on the minus strand). VCF-style: chr2-21011020-T-C. GRCh37 (hg19) VCF-style: chr2-21233892-T-C.
Other names: short protein forms T1950A.
Identifiers: ClinVar variation 1327347 (VCV001327347.2), dbSNP rs1663301144, ClinGen allele CA346003847.
Genomic context (GRCh38, chr2:21,011,020, plus strand): 5'-CACTGACTTTGTGTTCAAGAGCTGCACTGATGCTTTTCCTAGACACGAGATGATGACTTG[T>C]GGAGCCTTTGTAATCATGAGAGAAAGTAAATGCCAGAGGTTCTGCTTTCAACAGGAATTT-3'
Protein context (NP_000375.3, residues 1940-1960): FTFSHDYKGS[Thr1950Ala]SHHLVSRKSI